The following is an entry in ClinVar:

ClinVar aggregate classification (germline): Uncertain significance (1 of 4 stars; one submission).

Submission:

Labcorp Genetics (formerly Invitae), Labcorp
Classification: Uncertain significance. Last evaluated: 2025-06-30. Review status: criteria provided, single submitter. Criteria: Invitae Variant Classification Sherloc (09022015). Collection method: clinical testing. Allele origin: germline.
Comment: This sequence change replaces arginine, which is basic and polar, with proline, which is neutral and non-polar, at codon 154 of the KMT2B protein (p.Arg154Pro). This variant is not present in population databases (gnomAD no frequency). This variant has not been reported in the literature in individuals affected with KMT2B-related conditions. Invitae Evidence Modeling of protein sequence and biophysical properties (such as structural, functional, and spatial information, amino acid conservation, physicochemical variation, residue mobility, and thermodynamic stability) indicates that this missense variant is expected to disrupt KMT2B protein function with a positive predictive value of 80%. In summary, the available evidence is currently insufficient to determine the role of this variant in disease. Therefore, it has been classified as a Variant of Uncertain Significance.

NM_014727.3(KMT2B):c.461G>C (p.Arg154Pro)

Gene: KMT2B (lysine methyltransferase 2B; plus strand). Cytogenetic location: 19q13.12.
Variant type: single nucleotide variant.
Coding change: c.461G>C on transcript NM_014727.3 (MANE Select); coding-DNA position 461, G replaced by C.
Protein change: p.Arg154Pro; replaces arginine 154 with proline.
Molecular consequence: missense variant.
Genome position (GRCh38, 1-based): chr19:35,719,808, G>C. VCF-style: chr19-35719808-G-C. GRCh37 (hg19) VCF-style: chr19-36210710-G-C.
Other names: short protein forms R154P.
Identifiers: ClinVar variation 4720449 (VCV004720449.1).